The following is an entry in ClinVar:

NM_001211.6(BUB1B):c.1568-15TC[2]

Gene: BUB1B (BUB1 mitotic checkpoint serine/threonine kinase B; plus strand). Cytogenetic location: 15q15.1.
Variant type: Microsatellite.
Coding change: c.1568-15TC[2] on transcript NM_001211.6 (MANE Select); two copies in a row of the 2-base unit TC starting at c.1568-15.
Molecular consequence: intron variant.
Genome position: GRCh38 VCF-style: chr15-40202389-GTC-G. GRCh37 (hg19) VCF-style: chr15-40494590-GTC-G.
Identifiers: ClinVar variation 2713526 (VCV002713526.4), dbSNP rs2542558783, ClinGen allele CA2575676697.

ClinVar aggregate classification (germline): Conflicting classifications of pathogenicity. Review status: criteria provided, conflicting classifications (1 of 4 stars). 2 submissions from 2 submitters: Uncertain significance (1); Likely benign (1). Last evaluated 2022-12-19.

Conditions:
Mosaic variegated aneuploidy syndrome 1 (MVA1). Also called: Warburton-Anyane-Yeboa syndrome. Identifiers: Orphanet 1052, MedGen C1850343, MONDO:0009759, OMIM 257300.

Submissions (2):

Blueprint Genetics
Classification: Likely benign. Last evaluated: 2022-12-19. Review status: criteria provided, single submitter. Criteria: ACMG Guidelines, 2015. Collection method: clinical testing. Allele origin: germline.

Labcorp Genetics (formerly Invitae), Labcorp
Classification: Uncertain significance for Mosaic variegated aneuploidy syndrome 1. Last evaluated: 2022-12-10. Review status: criteria provided, single submitter. Criteria: Invitae Variant Classification Sherloc (09022015). Collection method: clinical testing. Allele origin: germline.
Comment: In summary, the available evidence is currently insufficient to determine the role of this variant in disease. Therefore, it has been classified as a Variant of Uncertain Significance. Algorithms developed to predict the effect of sequence changes on RNA splicing suggest that this variant may disrupt the consensus splice site. This variant has not been reported in the literature in individuals affected with BUB1B-related conditions. This variant is not present in population databases (gnomAD no frequency). This sequence change falls in intron 12 of the BUB1B gene. It does not directly change the encoded amino acid sequence of the BUB1B protein.